The following is an entry in ClinVar:

NM_130466.4(UBE3B):c.2172dup (p.Ile725fs)

Gene: UBE3B (ubiquitin protein ligase E3B; plus strand). Cytogenetic location: 12q24.11.
Variant type: Duplication.
Coding change: c.2172dup on transcript NM_130466.4 (MANE Select); coding-DNA position 2172, one base duplicated (G; older notation c.2172dupG).
Protein change: p.Ile725fs; shifts the reading frame from isoleucine 725.
Molecular consequence: frameshift variant.
Genome position (GRCh38, 1-based): chr12:109,521,243, G duplicated; the last of 3 consecutive G bases (chr12:109,521,241-109,521,243); duplicating any one gives the same sequence. VCF-style (leftmost placement, unchanged base first): chr12-109521240-A-AG. GRCh37 (hg19) VCF-style: chr12-109959045-A-AG.
Other names: c.2172dup, p.Ile725fs (NM_183415.3); short protein forms I725fs.
Identifiers: ClinVar variation 829808 (VCV000829808.5), dbSNP rs765785230, ClinGen allele CA6778140.

ClinVar aggregate classification (germline): Pathogenic/Likely pathogenic. Review status: criteria provided, multiple submitters, no conflicts (2 of 4 stars). 4 submissions from 4 submitters: Pathogenic (3); Likely pathogenic (1). Last evaluated 2024-07-08.

Conditions:
Oculocerebrofacial syndrome, Kaufman type. Also called: Blepharophimosis-ptosis-intellectual disability syndrome. Identifiers: Orphanet 2707, MedGen C1855663, MONDO:0009485, OMIM 244450.

Submissions (4):

GeneDx
Classification: Pathogenic. Last evaluated: 2024-07-08. Review status: criteria provided, single submitter. Criteria: GeneDx Variant Classification Process June 2021. Collection method: clinical testing. Allele origin: germline. Affected: yes.
Comment: Reported with a pathogenic allele on the opposite allele (in trans) in an individual with Kaufman oculocerebrofacial syndrome (PMID: 34930662); Frameshift variant predicted to result in protein truncation or nonsense mediated decay in a gene for which loss of function is a known mechanism of disease; This variant is associated with the following publications: (PMID: 37938362, 34930662)

3billion
Classification: Pathogenic for Oculocerebrofacial syndrome, Kaufman type. Last evaluated: 2023-02-23. Review status: criteria provided, single submitter. Criteria: ACMG Guidelines, 2015. Collection method: clinical testing. Allele origin: unknown. Affected: yes.
Comment: The variant is observed at an extremely low frequency in the gnomAD v2.1.1 dataset (total allele frequency: 0.001%). This variant was predicted to result in a loss or disruption of normal protein function through nonsense-mediated decay (NMD) or protein truncation. Multiple pathogenic variants are reported downstream of the variant. The variant has been reported to be associated with UBE3B related disorder (ClinVar ID: VCV000829808). Therefore, this variant is classified as Pathogenic according to the recommendation of ACMG/AMP guideline.

HudsonAlpha Institute for Biotechnology
Classification: Pathogenic for Oculocerebrofacial syndrome, Kaufman type. Last evaluated: 2019-10-23. Review status: criteria provided, single submitter. Criteria: ACMG Guidelines, 2015. Collection method: research. Allele origin: paternal. Affected: yes. Observed: 1 variant allele. Study: CSER-SouthSeq.
Comment: ACMG codes: PVS1, PM2, PM3

Juno Genomics, Hangzhou Juno Genomics, Inc
Classification: Likely pathogenic for Oculocerebrofacial syndrome, Kaufman type. Review status: criteria provided, single submitter. Criteria: ACMG Guidelines, 2015. Collection method: clinical testing. Allele origin: germline.
Comment: Null variant in a gene where loss of function (LOF) is a known mechanism of disease.;Absent from controls (or at extremely low frequency if recessive) in Genome Aggregation Database.